The following is an entry in ClinVar:

ClinVar aggregate classification (germline): Pathogenic (1 of 4 stars; one submission).

Conditions:
Hereditary breast ovarian cancer syndrome. Also called: BRCA1- and BRCA2-Associated Hereditary Breast and Ovarian Cancer; Breast and ovarian cancer; Hereditary breast and ovarian cancer syndrome; Hereditary breast and ovarian cancer syndrome (HBOC); Hereditary breast and/or ovarian cancer syndrome; Hereditary breast and ovarian cancer. Identifiers: Orphanet 145, MedGen C0677776, MeSH D061325, MONDO:0003582. Disease mechanism: loss of function.

Submission:

Labcorp Genetics (formerly Invitae), Labcorp
Classification: Pathogenic for Hereditary breast ovarian cancer syndrome. Last evaluated: 2025-02-03. Review status: criteria provided, single submitter. Criteria: Invitae Variant Classification Sherloc (09022015). Collection method: clinical testing. Allele origin: germline.
Comment: This sequence change creates a premature translational stop signal (p.Asp1096Ilefs*8) in the BRCA2 gene. It is expected to result in an absent or disrupted protein product. Loss-of-function variants in BRCA2 are known to be pathogenic (PMID: 20104584). This variant is not present in population databases (gnomAD no frequency). This variant has not been reported in the literature in individuals affected with BRCA2-related conditions. For these reasons, this variant has been classified as Pathogenic.

Literature cited by the submitters: PubMed 20104584.

NM_000059.4(BRCA2):c.3286del (p.Asp1096fs)

Gene: BRCA2 (BRCA2 DNA repair associated; plus strand). Cytogenetic location: 13q13.1.
Variant type: Deletion.
Coding change: c.3286del on transcript NM_000059.4 (MANE Select); coding-DNA position 3286, one base deleted (G; older notation c.3286delG).
Protein change: p.Asp1096fs; shifts the reading frame from aspartic acid 1096.
Molecular consequence: frameshift variant. On other transcripts: non-coding transcript variant (1), intron variant (2).
Genome position (GRCh38, 1-based): chr13:32,337,641, G deleted; the last of 2 consecutive G bases (chr13:32,337,640-32,337,641); deleting either gives the same sequence. VCF-style (leftmost placement, unchanged base first): chr13-32337639-AG-A. GRCh37 (hg19) VCF-style: chr13-32911776-AG-A.
Other names: c.3286del, p.Asp1096fs (NM_001406719.1, NM_001406720.1, NM_001432077.1); c.1909+4254del (NM_001406721.1); c.424+6611del (NM_001406722.1); short protein forms D1096fs.
Identifiers: ClinVar variation 4712216 (VCV004712216.1).